The following is an entry in ClinVar:

ClinVar aggregate classification (germline): Uncertain significance (1 of 4 stars; one submission).

Conditions:
Inborn genetic diseases. Identifiers: MedGen C0950123, MeSH D030342.

Allele frequency attached by ClinVar (database versions not stated): gnomAD exomes below 0.00001.
gnomAD v4.1: 1 of 1,613,590 alleles (0.000062%); highest among the groups gnomAD compares: Admixed American, 0.0017%; no homozygotes.

Submission:

Ambry Genetics
Classification: Uncertain significance for Inborn genetic diseases. Last evaluated: 2013-09-04. Review status: criteria provided, single submitter. Criteria: Ambry Autosomal Dominant and X-Linked criteria (10/2015). Collection method: clinical testing. Allele origin: germline. Observed: 1 variant allele.
Comment: There is insufficient or conflicting evidence for classification of this alteration.

NM_002508.3(NID1):c.1640C>T (p.Thr547Ile)

Gene: NID1 (nidogen 1; minus strand). Cytogenetic location: 1q42.3.
Variant type: single nucleotide variant.
Coding change: c.1640C>T on transcript NM_002508.3 (MANE Select); coding-DNA position 1640, C replaced by T.
Protein change: p.Thr547Ile; replaces threonine 547 with isoleucine.
Molecular consequence: missense variant.
Genome position (GRCh38, 1-based): chr1:236,029,648, G>A on the plus strand (C>T on the coding strand, the complement: NID1 is on the minus strand). VCF-style: chr1-236029648-G-A. GRCh37 (hg19) VCF-style: chr1-236192948-G-A.
Other names: short protein forms T547I.
Identifiers: ClinVar variation 225058 (VCV000225058.4), dbSNP rs869312945, ClinGen allele CA358099.